The following is an entry in ClinVar:

ClinVar aggregate classification (germline): Uncertain significance (1 of 4 stars; one submission).

Conditions:
Inborn genetic diseases. Identifiers: MedGen C0950123, MeSH D030342.

Submission:

Ambry Genetics
Classification: Uncertain significance for Inborn genetic diseases. Last evaluated: 2022-10-17. Review status: criteria provided, single submitter. Criteria: Ambry Variant Classification Scheme 2023. Collection method: clinical testing. Allele origin: germline.
Comment: The p.A1896D variant (also known as c.5687C>A), located in coding exon 33 of the ATR gene, results from a C to A substitution at nucleotide position 5687. The alanine at codon 1896 is replaced by aspartic acid, an amino acid with dissimilar properties. This amino acid position is conserved. In addition, this alteration is predicted to be deleterious by in silico analysis. Since supporting evidence is limited at this time, the clinical significance of this alteration remains unclear.

NM_001184.4(ATR):c.5687C>A (p.Ala1896Asp)

Gene: ATR (ATR checkpoint kinase; minus strand). Cytogenetic location: 3q23.
Variant type: single nucleotide variant.
Coding change: c.5687C>A on transcript NM_001184.4 (MANE Select); coding-DNA position 5687, C replaced by A.
Protein change: p.Ala1896Asp; replaces alanine 1896 with aspartic acid.
Molecular consequence: missense variant.
Genome position (GRCh38, 1-based): chr3:142,497,064, G>T on the plus strand (C>A on the coding strand, the complement: ATR is on the minus strand). VCF-style: chr3-142497064-G-T. GRCh37 (hg19) VCF-style: chr3-142215906-G-T.
Other names: c.5495C>A, p.Ala1832Asp (NM_001354579.2); short protein forms A1832D, A1896D.
Identifiers: ClinVar variation 1749053 (VCV001749053.2), dbSNP rs1267037381, ClinGen allele CA354814561.